The following is an entry in ClinVar:

ClinVar aggregate classification (germline): Uncertain significance (1 of 4 stars; one submission).

Submission:

GeneDx
Classification: Uncertain significance. Last evaluated: 2025-03-25. Review status: criteria provided, single submitter. Criteria: GeneDx Variant Classification Process June 2021. Collection method: clinical testing. Allele origin: germline. Affected: yes.
Comment: Not observed at significant frequency in large population cohorts (gnomAD); In silico analysis supports that this missense variant has a deleterious effect on protein structure/function; Has not been previously published as pathogenic or benign to our knowledge

NM_182641.4(BPTF):c.1154G>C (p.Gly385Ala)

Gene: BPTF (bromodomain PHD finger transcription factor; plus strand). Cytogenetic location: 17q24.2.
Variant type: single nucleotide variant.
Coding change: c.1154G>C on transcript NM_182641.4 (MANE Select); coding-DNA position 1154, G replaced by C.
Protein change: p.Gly385Ala; replaces glycine 385 with alanine.
Molecular consequence: missense variant.
Genome position (GRCh38, 1-based): chr17:67,854,480, G>C. VCF-style: chr17-67854480-G-C. GRCh37 (hg19) VCF-style: chr17-65850596-G-C.
Other names: c.1154G>C, p.Gly385Ala (NM_001439139.1, NM_001439140.1, NM_001439141.1 and 4 more transcripts); short protein forms G385A.
Identifiers: ClinVar variation 4087968 (VCV004087968.1).